The following is an entry in ClinVar:

NM_001077365.2(POMT1):c.1391G>C (p.Trp464Ser)

Gene: POMT1 (protein O-mannosyltransferase 1; plus strand). Cytogenetic location: 9q34.13.
Variant type: single nucleotide variant.
Coding change: c.1391G>C on transcript NM_001077365.2 (MANE Select); coding-DNA position 1391, G replaced by C.
Protein change: p.Trp464Ser; replaces tryptophan 464 with serine.
Molecular consequence: missense variant. On other transcripts: non-coding transcript variant (10), intron variant (1).
Genome position (GRCh38, 1-based): chr9:131,518,862, G>C. VCF-style: chr9-131518862-G-C. GRCh37 (hg19) VCF-style: chr9-134394249-G-C.
Other names: c.1229G>C, p.Trp410Ser (NM_001077366.2, NM_001353194.2); c.1391G>C, p.Trp464Ser (NM_001136113.2); c.1040G>C, p.Trp347Ser (NM_001136114.2, NM_001353195.2, NM_001374691.1 and 2 more transcripts); c.1457G>C, p.Trp486Ser (NM_001353193.2, NM_007171.4); c.1301G>C, p.Trp434Ser (NM_001353196.2); c.1295G>C, p.Trp432Ser (NM_001353197.2, NM_001353198.2); c.1106G>C, p.Trp369Ser (NM_001353199.2); c.935G>C, p.Trp312Ser (NM_001353200.2); and 3 more; short protein forms W486S, W312S, W347S, W434S, W369S, W410S, W432S, W464S.
Identifiers: ClinVar variation 471375 (VCV000471375.12), dbSNP rs746849558, ClinGen allele CA5293687.

ClinVar aggregate classification (germline): Pathogenic. Review status: criteria provided, multiple submitters, no conflicts (2 of 4 stars). 3 submissions from 3 submitters: Pathogenic (3). Last evaluated 2024-03-30.

Conditions:
POMT1-related disorder. Also called: POMT1-related disorders; POMT1-related condition.
Autosomal recessive limb-girdle muscular dystrophy type 2K. Also called: MUSCULAR DYSTROPHY-DYSTROGLYCANOPATHY (LIMB-GIRDLE), TYPE C, 1; MUSCULAR DYSTROPHY, LIMB-GIRDLE, TYPE 2K. Identifiers: Orphanet 86812, MedGen C1836373, MONDO:0012248, OMIM 609308.
Muscular dystrophy-dystroglycanopathy (congenital with impaired intellectual development), type B, 1. Also called: Muscular dystrophy-dystroglycanopathy (congenital with intellectual disability), type B1; MUSCULAR DYSTROPHY, CONGENITAL, POMT1-RELATED. Identifiers: MedGen C5436962, MONDO:0013159, OMIM 613155.
Walker-Warburg congenital muscular dystrophy. Also called: Muscular dystrophy-dystroglycanopathy, type A; Walker-Warburg syndrome. Identifiers: Orphanet 899, MedGen C0265221, MONDO:0000171.
Muscular dystrophy-dystroglycanopathy (congenital with brain and eye anomalies), type A1 (MDDGA1). Also called: COD-MD SYNDROME; Muscular dystrophy-dystroglycanopathy (congenital with brain and eye anomalies), type A, 1; WALKER-WARBURG SYNDROME OR MUSCLE-EYE-BRAIN DISEASE, POMT1-RELATED; Hydrocephalus, agyria and retinal dysplasia; Hard +/- E syndrome; Warburg syndrome. Identifiers: Orphanet 588, Orphanet 899, MedGen C4284790, MONDO:0009364, OMIM 236670.

Allele frequency attached by ClinVar (database versions not stated): gnomAD exomes 0.00002; TOPMed 0.00003; ExAC 0.00003; gnomAD 0.00001.
gnomAD v4.1: 39 of 1,613,902 alleles (0.0024%); highest among the groups gnomAD compares: Non-Finnish European, 0.0032%; no homozygotes.

Submissions (3):

Baylor Genetics
Classification: Pathogenic for Muscular dystrophy-dystroglycanopathy (congenital with brain and eye anomalies), type A1. Last evaluated: 2024-03-30. Review status: criteria provided, single submitter. Criteria: ACMG Guidelines, 2015. Collection method: clinical testing. Allele origin: unknown.

Labcorp Genetics (formerly Invitae), Labcorp
Classification: Pathogenic for Muscular dystrophy-dystroglycanopathy (congenital with impaired intellectual development), type B, 1; Walker-Warburg congenital muscular dystrophy; Autosomal recessive limb-girdle muscular dystrophy type 2K. Last evaluated: 2024-02-14. Review status: criteria provided, single submitter. Criteria: Invitae Variant Classification Sherloc (09022015). Collection method: clinical testing. Allele origin: germline.
Comment: This sequence change replaces tryptophan, which is neutral and slightly polar, with serine, which is neutral and polar, at codon 486 of the POMT1 protein (p.Trp486Ser). This variant is present in population databases (rs746849558, gnomAD 0.007%). This missense change has been observed in individual(s) with muscular dystrophy-dystroglycanopathy (PMID: 27193224, 28157257). In at least one individual the data is consistent with being in trans (on the opposite chromosome) from a pathogenic variant. It has also been observed to segregate with disease in related individuals. ClinVar contains an entry for this variant (Variation ID: 471375). Advanced modeling of protein sequence and biophysical properties (such as structural, functional, and spatial information, amino acid conservation, physicochemical variation, residue mobility, and thermodynamic stability) performed at Invitae indicates that this missense variant is expected to disrupt POMT1 protein function with a positive predictive value of 95%. For these reasons, this variant has been classified as Pathogenic.

Blueprint Genetics
Classification: Pathogenic for POMT1-related disorders. Last evaluated: 2022-12-16. Review status: criteria provided, single submitter. Criteria: ACMG Guidelines, 2015. Collection method: clinical testing. Allele origin: germline. Affected: yes. Observed: 3 variant alleles.

Literature cited by the submitters: PubMed 27193224 (cited by Labcorp Genetics (formerly Invitae), Labcorp); PubMed 28157257 (cited by Labcorp Genetics (formerly Invitae), Labcorp).